The following is an entry in ClinVar:

NM_003172.4(SURF1):c.118A>T (p.Arg40Trp)

Gene: SURF1 (SURF1 cytochrome c oxidase assembly factor; minus strand). Cytogenetic location: 9q34.2.
Variant type: single nucleotide variant.
Coding change: c.118A>T on transcript NM_003172.4 (MANE Select); coding-DNA position 118, A replaced by T.
Protein change: p.Arg40Trp; replaces arginine 40 with tryptophan.
Molecular consequence: missense variant. On other transcripts: 5 prime UTR variant (1).
Genome position (GRCh38, 1-based): chr9:133,354,946, T>A on the plus strand (A>T on the coding strand, the complement: SURF1 is on the minus strand). VCF-style: chr9-133354946-T-A. GRCh37 (hg19) VCF-style: chr9-136221801-T-A.
Other names: c.118A>T (NM_003172.2); c.-210A>T (NM_001280787.1); short protein forms R40W.
Identifiers: ClinVar variation 456663 (VCV000456663.7), dbSNP rs781831910, ClinGen allele CA200833558.
Genomic context (GRCh38, chr9:133,354,946, plus strand): 5'-AGTCATCTTCCGCTTTTGTGGCAGATGCTTCTGCTGCAGAACTGCCACATCTGCTTGGCC[T>A]CCAGGCCACCCCTGGAGAGTTTCACAACACTGACATGGAGCCAGAAGCCCTCGAACACAG-3'
Protein context (NP_003163.1, residues 30-50): RVSPRPGVAW[Arg40Trp]PSRCGSSAAE

ClinVar aggregate classification (germline): Uncertain significance. Review status: criteria provided, multiple submitters, no conflicts (2 of 4 stars). 2 submissions from 2 submitters: Uncertain significance (2). Last evaluated 2023-05-30.

Conditions:
Inborn genetic diseases. Identifiers: MedGen C0950123, MeSH D030342.
Leigh syndrome (NULS). Also called: Leigh's necrotizing encephalopathy; Leigh's disease; Leigh Syndrome (mtDNA deletion); Leigh's syndrome; Leigh Disease; Subacute necrotizing encephalopathy. Identifiers: Orphanet 506, MedGen C2931891, MONDO:0009723, OMIM 256000.

Allele frequency attached by ClinVar (database versions not stated): gnomAD exomes below 0.00001 and 0.00001; gnomAD 0.00001; TOPMed 0.00001; ExAC 0.00002.

Submissions (2):

Ambry Genetics
Classification: Uncertain significance for Inborn genetic diseases. Last evaluated: 2023-05-30. Review status: criteria provided, single submitter. Criteria: Ambry Variant Classification Scheme 2023. Collection method: clinical testing. Allele origin: germline.

Labcorp Genetics (formerly Invitae), Labcorp
Classification: Uncertain significance for Leigh syndrome. Last evaluated: 2022-08-23. Review status: criteria provided, single submitter. Criteria: Invitae Variant Classification Sherloc (09022015). Collection method: clinical testing. Allele origin: germline.
Comment: This sequence change replaces arginine, which is basic and polar, with tryptophan, which is neutral and slightly polar, at codon 40 of the SURF1 protein (p.Arg40Trp). This variant is present in population databases (rs781831910, gnomAD 0.0009%). This variant has not been reported in the literature in individuals affected with SURF1-related conditions. ClinVar contains an entry for this variant (Variation ID: 456663). Algorithms developed to predict the effect of missense changes on protein structure and function are either unavailable or do not agree on the potential impact of this missense change (SIFT: "Deleterious"; PolyPhen-2: "Benign"; Align-GVGD: "Class C0"). In summary, the available evidence is currently insufficient to determine the role of this variant in disease. Therefore, it has been classified as a Variant of Uncertain Significance.